The following is an entry in ClinVar:

NM_004393.6(DAG1):c.1681A>G (p.Met561Val)

Gene: DAG1 (dystroglycan 1; plus strand). Cytogenetic location: 3p21.31.
Variant type: single nucleotide variant.
Coding change: c.1681A>G on transcript NM_004393.6 (MANE Select); coding-DNA position 1681, A replaced by G.
Protein change: p.Met561Val; replaces methionine 561 with valine.
Molecular consequence: missense variant.
Genome position (GRCh38, 1-based): chr3:49,532,192, A>G. VCF-style: chr3-49532192-A-G. GRCh37 (hg19) VCF-style: chr3-49569625-A-G.
Other names: c.1681A>G, p.Met561Val (NM_001165928.4, NM_001177634.3, NM_001177635.3 and 9 more transcripts); short protein forms M561V.
Identifiers: ClinVar variation 2169220 (VCV002169220.4), dbSNP rs2472637270, ClinGen allele CA352795914.
Genomic context (GRCh38, chr3:49,532,192, plus strand): 5'-CGGGAGCAGCAGCTGGTGGGCGAGAAGTCCTGGGTACAGTTCAACAGCAACAGCCAGCTC[A>G]TGTATGGCCTTCCCGACAGCAGCCACGTGGGCAAACACGAGTATTTCATGCATGCCACAG-3'
Protein context (NP_004384.5, residues 551-571): WVQFNSNSQL[Met561Val]YGLPDSSHVG

ClinVar aggregate classification (germline): Uncertain significance (1 of 4 stars; one submission).

Conditions:
Muscular dystrophy-dystroglycanopathy (congenital with brain and eye anomalies), type A9. Also called: WALKER-WARBURG SYNDROME OR MUSCLE-EYE BRAIN DISEASE, DAG1-RELATED; Muscular dystrophy-dystroglycanopathy (congenital with brain and eye anomalies), type a, 9. Identifiers: Orphanet 370997, Orphanet 899, MedGen C4225291, MONDO:0014683, OMIM 616538.
Autosomal recessive limb-girdle muscular dystrophy type 2P. Also called: MUSCULAR DYSTROPHY-DYSTROGLYCANOPATHY, LIMB-GIRDLE, DAG1-RELATED; MUSCULAR DYSTROPHY, LIMB-GIRDLE, TYPE 2P; Limb-Girdle Muscular Dystrophy Type 9C. Identifiers: Orphanet 280333, MedGen C4511963, MONDO:0013440, OMIM 613818.

gnomAD v4.1: 3 of 1,613,556 alleles (0.00019%); highest among the groups gnomAD compares: South Asian, 0.0022%; no homozygotes.

Submission:

Labcorp Genetics (formerly Invitae), Labcorp
Classification: Uncertain significance for Autosomal recessive limb-girdle muscular dystrophy type 2P; Muscular dystrophy-dystroglycanopathy (congenital with brain and eye anomalies), type A9. Last evaluated: 2022-03-14. Review status: criteria provided, single submitter. Criteria: Invitae Variant Classification Sherloc (09022015). Collection method: clinical testing. Allele origin: germline.
Comment: In summary, the available evidence is currently insufficient to determine the role of this variant in disease. Therefore, it has been classified as a Variant of Uncertain Significance. Algorithms developed to predict the effect of missense changes on protein structure and function are either unavailable or do not agree on the potential impact of this missense change (SIFT: "Tolerated"; PolyPhen-2: "Probably Damaging"; Align-GVGD: "Class C0"). This variant has not been reported in the literature in individuals affected with DAG1-related conditions. This variant is not present in population databases (gnomAD no frequency). This sequence change replaces methionine, which is neutral and non-polar, with valine, which is neutral and non-polar, at codon 561 of the DAG1 protein (p.Met561Val).